The following is an entry in ClinVar:

NC_000001.10:g.(?_241661128)_(241683022_?)del

Gene: FH (fumarate hydratase; minus strand). Cytogenetic location: 1q43.
Variant type: Deletion.
Identifiers: ClinVar variation 3247871 (VCV003247871.1).

ClinVar aggregate classification (germline): Pathogenic (1 of 4 stars; one submission).

Submission:

Labcorp Genetics (formerly Invitae), Labcorp
Classification: Pathogenic. Last evaluated: 2023-11-27. Review status: criteria provided, single submitter. Criteria: Invitae Variant Classification Sherloc (09022015). Collection method: clinical testing. Allele origin: unknown.
Comment: A gross deletion of the genomic region encompassing the full coding sequence of the FH gene has been identified. Loss-of-function variants in FH are known to be pathogenic (PMID: 11865300, 21398687). The boundaries of this event are unknown as they extend beyond the assayed region for this gene and therefore may encompass additional genes. A similar copy number variant has been observed in individual(s) with hereditary leiomyomatosis and renal cell carcinoma (HLRCC) syndrome and fumarate deficiency (PMID: 11865300, 12761039, 21398687, 22069215, 28300276). For these reasons, this variant has been classified as Pathogenic.

Literature cited by the submitters: PubMed 11865300; PubMed 21398687; PubMed 12761039; PubMed 22069215; PubMed 28300276.